The following is an entry in ClinVar:

NM_000051.4(ATM):c.3613_3614insTTTATGTTTAGAA (p.Arg1205delinsLeuTyrValTer)

Gene: ATM (ATM serine/threonine kinase; plus strand). Cytogenetic location: 11q22.3.
Variant type: Insertion.
Coding change: c.3613_3614insTTTATGTTTAGAA on transcript NM_000051.4 (MANE Select); coding-DNA positions 3613 to 3614, TTTATGTTTAGAA inserted.
Protein change: p.Arg1205delinsLeuTyrValTer.
Molecular consequence: nonsense.
Genome position: GRCh38 VCF-style: chr11-108282746-C-CTTTATGTTTAGAA. GRCh37 (hg19) VCF-style: chr11-108153473-C-CTTTATGTTTAGAA.
Other names: c.3613_3614insTTTATGTTTAGAA, p.Arg1205delinsLeuTyrValTer (NM_001351834.2).
Identifiers: ClinVar variation 2098219 (VCV002098219.4), dbSNP rs2546879122, ClinGen allele CA2580083239.

ClinVar aggregate classification (germline): Pathogenic (1 of 4 stars; one submission).

Conditions:
Ataxia-telangiectasia syndrome (AT). Also called: Ataxia-telangiectasia, complementation group D; AT, COMPLEMENTATION GROUP C; ATAXIA-TELANGIECTASIA, COMPLEMENTATION GROUP A; ATAXIA-TELANGIECTASIA, FRESNO VARIANT; Ataxia telangiectasia (A-T); Ataxia-telangiectasia. Identifiers: Orphanet 100, MedGen C0004135, MONDO:0008840, OMIM 208900.

Submission:

Labcorp Genetics (formerly Invitae), Labcorp
Classification: Pathogenic for Ataxia-telangiectasia syndrome. Last evaluated: 2022-09-13. Review status: criteria provided, single submitter. Criteria: Invitae Variant Classification Sherloc (09022015). Collection method: clinical testing. Allele origin: germline.
Comment: For these reasons, this variant has been classified as Pathogenic. This variant has not been reported in the literature in individuals affected with ATM-related conditions. This variant is not present in population databases (gnomAD no frequency). This sequence change creates a premature translational stop signal (p.Arg1205Leufs*4) in the ATM gene. It is expected to result in an absent or disrupted protein product. Loss-of-function variants in ATM are known to be pathogenic (PMID: 23807571, 25614872).

Literature cited by the submitters: PubMed 23807571; PubMed 25614872.